The following is an entry in ClinVar:

ClinVar aggregate classification (germline): Uncertain significance. Review status: criteria provided, multiple submitters, no conflicts (2 of 4 stars). 2 submissions from 2 submitters: Uncertain significance (2). Last evaluated 2025-10-15.

Conditions:
Inborn genetic diseases. Identifiers: MedGen C0950123, MeSH D030342.
Epilepsy, familial focal, with variable foci 3 (FFEVF3). Identifiers: MedGen C4310708, MONDO:0014925, OMIM 617118.

Allele frequency attached by ClinVar (database versions not stated): gnomAD exomes below 0.00001; ExAC 0.00003; TOPMed 0.00005; gnomAD 0.00007; 1000 Genomes Project 30x 0.00016; 1000 Genomes Project 0.00020.
gnomAD v4.1: 18 of 1,613,278 alleles (0.0011%); highest among the groups gnomAD compares: African/African-American, 0.02%; no homozygotes.

Submissions (2):

Labcorp Genetics (formerly Invitae), Labcorp
Classification: Uncertain significance for Epilepsy, familial focal, with variable foci 3. Last evaluated: 2025-10-15. Review status: criteria provided, single submitter. Criteria: Invitae Variant Classification Sherloc (09022015). Collection method: clinical testing. Allele origin: germline.
Comment: This sequence change replaces asparagine, which is neutral and polar, with serine, which is neutral and polar, at codon 90 of the NPRL3 protein (p.Asn90Ser). This variant is present in population databases (rs551576449, gnomAD 0.03%). This variant has not been reported in the literature in individuals affected with NPRL3-related conditions. ClinVar contains an entry for this variant (Variation ID: 2042830). Invitae Evidence Modeling of protein sequence and biophysical properties (such as structural, functional, and spatial information, amino acid conservation, physicochemical variation, residue mobility, and thermodynamic stability) indicates that this missense variant is not expected to disrupt NPRL3 protein function with a negative predictive value of 80%. In summary, the available evidence is currently insufficient to determine the role of this variant in disease. Therefore, it has been classified as a Variant of Uncertain Significance.

Ambry Genetics
Classification: Uncertain significance for Inborn genetic diseases. Last evaluated: 2020-10-22. Review status: criteria provided, single submitter. Criteria: Ambry Variant Classification Scheme 2023. Collection method: clinical testing. Allele origin: germline.
Comment: The c.269A>G (p.N90S) alteration is located in exon 4 (coding exon 3) of the NPRL3 gene. This alteration results from an A to G substitution at nucleotide position 269, causing the asparagine (N) at amino acid position 90 to be replaced by a serine (S). Based on data from the Genome Aggregation Database (gnomAD) database, the NPRL3 c.269A>G alteration was observed in <0.01% (9/278606) of total alleles studied, with a frequency of 0.03% (7/23956) in the African subpopulation. This amino acid position is highly conserved in available vertebrate species. The p.N90S alteration is predicted to be tolerated by in silico analysis. Based on insufficient or conflicting evidence, the clinical significance of this alteration remains unclear.

NM_001077350.3(NPRL3):c.269A>G (p.Asn90Ser)

Genes: HBA-LCR (alpha-globin locus control region; plus strand), NPRL3 (NPR3 like, GATOR1 complex subunit; minus strand). Cytogenetic location: 16p13.3.
Variant type: single nucleotide variant.
Coding change: c.269A>G on transcript NM_001077350.3 (MANE Select); coding-DNA position 269, A replaced by G.
Protein change: p.Asn90Ser; replaces asparagine 90 with serine.
Molecular consequence: missense variant. On other transcripts: intron variant (1).
Genome position (GRCh38, 1-based): chr16:119,175, T>C on the plus strand (A>G on the coding strand, the complement: NPRL3 is on the minus strand). VCF-style: chr16-119175-T-C. GRCh37 (hg19) VCF-style: chr16-169174-T-C.
Other names: c.35A>G, p.Asn12Ser (NM_001243247.2); c.269A>G, p.Asn90Ser (NM_001243248.2, NM_001243249.2); c.-144-6400A>G (NM_001039476.3); short protein forms N12S, N90S.
Identifiers: ClinVar variation 2042830 (VCV002042830.5), dbSNP rs551576449, ClinGen allele CA7769721.